The following is an entry in ClinVar:

ClinVar aggregate classification (germline): Pathogenic/Likely pathogenic. Review status: criteria provided, multiple submitters, no conflicts (2 of 4 stars). 2 submissions from 2 submitters: Pathogenic (1); Likely pathogenic (1). Last evaluated 2025-06-30.

Conditions:
Cerebral arteriopathy, autosomal dominant, with subcortical infarcts and leukoencephalopathy, type 1 (CADASIL1). Also called: Cerebral arteriopathy with subcortical infarcts and leukoencephalopathy 1; CADASIL 1; CASIL; DEMENTIA, HEREDITARY MULTIINFARCT TYPE. Identifiers: Orphanet 136, MedGen C4551768, MONDO:0000914, OMIM 125310.

Submissions (2):

Institute of Human Genetics, University of Leipzig Medical Center
Classification: Likely pathogenic for Cerebral arteriopathy, autosomal dominant, with subcortical infarcts and leukoencephalopathy, type 1. Last evaluated: 2025-06-30. Review status: criteria provided, single submitter. Criteria: ACMG Guidelines, 2015. Collection method: clinical testing. Allele origin: unknown. Inheritance: Autosomal dominant inheritance. Affected: yes.
Comment: Criteria applied: PM1_STR,PM2,PS4_SUP,PP3

Athena Diagnostics
Classification: Pathogenic. Last evaluated: 2020-06-22. Review status: criteria provided, single submitter. Criteria: Athena Diagnostics Criteria. Collection method: clinical testing. Allele origin: unknown.
Comment: The variant disrupts a cysteine residue in an EGF-like repeat domain, which is important for the structure of this protein. Therefore it is expected to severely affect the function of the protein. Found in at least one patient with expected phenotype for this gene, and not found in general population data.

Literature cited by the submitters: PubMed 10854111 (cited by Athena Diagnostics); PubMed 15364702 (cited by Athena Diagnostics); PubMed 19245392 (cited by Athena Diagnostics).

NM_000435.3(NOTCH3):c.368G>T (p.Cys123Phe)

Gene: NOTCH3 (notch receptor 3; minus strand). Cytogenetic location: 19p13.12.
Variant type: single nucleotide variant.
Coding change: c.368G>T on transcript NM_000435.3 (MANE Select); coding-DNA position 368, G replaced by T.
Protein change: p.Cys123Phe; replaces cysteine 123 with phenylalanine.
Molecular consequence: missense variant.
Genome position (GRCh38, 1-based): chr19:15,192,271, C>A on the plus strand (G>T on the coding strand, the complement: NOTCH3 is on the minus strand). VCF-style: chr19-15192271-C-A. GRCh37 (hg19) VCF-style: chr19-15303082-C-A.
Other names: short protein forms C123F.
Identifiers: ClinVar variation 995322 (VCV000995322.2), dbSNP rs2046935167, ClinGen allele CA404534413.
Genomic context (GRCh38, chr19:15,192,271, plus strand): 5'-AGGAAGCGTCCATCGGGCCCCACTGAGCAGCGGGCACCGTGGGCACAAGGGCTGCTGAGG[C>A]AGGGATCTGGCAGGGAGCAGTCAGGGCCTGGAGGGACCAGGACAGGGTGAGTTTAGGACT-3'
Protein context (NP_000426.2, residues 113-133): RGPDCSLPDP[Cys123Phe]LSSPCAHGAR